The following is an entry in ClinVar:

ClinVar aggregate classification (germline): Uncertain significance. Review status: criteria provided, multiple submitters, no conflicts (2 of 4 stars). 2 submissions from 2 submitters: Uncertain significance (2). Last evaluated 2025-11-24.

Allele frequency attached by ClinVar (database versions not stated): ESP Exome Variant Server 0.00008; gnomAD 0.00013; 1000 Genomes Project 30x 0.00031; ExAC 0.00003; 1000 Genomes Project 0.00020; TOPMed 0.00020.
gnomAD v4.1: 32 of 1,606,568 alleles (0.002%); highest among the groups gnomAD compares: African/African-American, 0.041%; no homozygotes.

Submissions (2):

Ambry Genetics
Classification: Uncertain significance. Last evaluated: 2025-11-24. Review status: criteria provided, single submitter. Criteria: Ambry Variant Classification Scheme 2023. Collection method: clinical testing. Allele origin: germline.

Labcorp Genetics (formerly Invitae), Labcorp
Classification: Uncertain significance. Last evaluated: 2025-08-18. Review status: criteria provided, single submitter. Criteria: Invitae Variant Classification Sherloc (09022015). Collection method: clinical testing. Allele origin: germline.
Comment: This sequence change replaces arginine, which is basic and polar, with glycine, which is neutral and non-polar, at codon 179 of the SIRT1 protein (p.Arg179Gly). This variant is present in population databases (rs200805107, gnomAD 0.04%). This variant has not been reported in the literature in individuals affected with SIRT1-related conditions. ClinVar contains an entry for this variant (Variation ID: 2461321). An algorithm developed to predict the effect of missense changes on protein structure and function (PolyPhen-2) suggests that this variant is likely to be tolerated. In summary, the available evidence is currently insufficient to determine the role of this variant in disease. Therefore, it has been classified as a Variant of Uncertain Significance.

NM_012238.5(SIRT1):c.535A>G (p.Arg179Gly)

Gene: SIRT1 (sirtuin 1; plus strand). Cytogenetic location: 10q21.3.
Variant type: single nucleotide variant.
Coding change: c.535A>G on transcript NM_012238.5 (MANE Select); coding-DNA position 535, A replaced by G.
Protein change: p.Arg179Gly; replaces arginine 179 with glycine.
Molecular consequence: missense variant. On other transcripts: 5 prime UTR variant (2).
Genome position (GRCh38, 1-based): chr10:67,887,521, A>G. VCF-style: chr10-67887521-A-G. GRCh37 (hg19) VCF-style: chr10-69647279-A-G.
Other names: c.-109A>G (NM_001142498.2); c.-500A>G (NM_001314049.2); short protein forms R179G.
Identifiers: ClinVar variation 2461321 (VCV002461321.5), dbSNP rs200805107, ClinGen allele CA5521033.